The following is an entry in ClinVar:

ClinVar aggregate classification (germline): Likely benign (1 of 4 stars; one submission).

Allele frequency attached by ClinVar (database versions not stated): ExAC 0.00001.

Submission:

CeGaT Center for Human Genetics Tuebingen
Classification: Likely benign. Last evaluated: 2022-10-01. Review status: criteria provided, single submitter. Criteria: CeGaT Center For Human Genetics Tuebingen Variant Classification Criteria Version 2. Collection method: clinical testing. Allele origin: germline. Affected: yes. Observed: 1 variant allele.
Comment: BRPF1: BP4, BP7

NM_001003694.2(BRPF1):c.3489G>A (p.Leu1163=)

Gene: BRPF1 (bromodomain and PHD finger containing 1; plus strand). Cytogenetic location: 3p25.3.
Variant type: single nucleotide variant.
Coding change: c.3489G>A on transcript NM_001003694.2 (MANE Select); coding-DNA position 3489, G replaced by A.
Protein change: p.Leu1163=; no amino-acid change (leucine 1163 retained).
Molecular consequence: synonymous variant. On other transcripts: non-coding transcript variant (1).
Genome position (GRCh38, 1-based): chr3:9,747,175, G>A. VCF-style: chr3-9747175-G-A. GRCh37 (hg19) VCF-style: chr3-9788859-G-A.
Other names: c.3186G>A, p.Leu1062= (NM_001319049.2); c.3468G>A, p.Leu1156= (NM_001319050.2); c.3486G>A, p.Leu1162= (NM_001410704.1); c.3471G>A, p.Leu1157= (NM_004634.3).
Identifiers: ClinVar variation 2653498 (VCV002653498.24), dbSNP rs770656617, ClinGen allele CA2242419.